The following is an entry in ClinVar:

ClinVar aggregate classification (germline): Uncertain significance. Review status: criteria provided, multiple submitters, no conflicts (2 of 4 stars). 2 submissions from 2 submitters: Uncertain significance (2). Last evaluated 2024-10-27.

Conditions:
Mucopolysaccharidosis, MPS-IV-A (MPS4A). Also called: Morquio syndrome A, mild; MORQUIO SYNDROME A; GALACTOSAMINE-6-SULFATASE DEFICIENCY; GALNS DEFICIENCY; MORQUIO A DISEASE; MPS IVA. Identifiers: Orphanet 309297, Orphanet 582, MedGen C0086651, MONDO:0009659, OMIM 253000.

Submissions (2):

Labcorp Genetics (formerly Invitae), Labcorp
Classification: Uncertain significance for Mucopolysaccharidosis, MPS-IV-A. Last evaluated: 2024-10-27. Review status: criteria provided, single submitter. Criteria: Invitae Variant Classification Sherloc (09022015). Collection method: clinical testing. Allele origin: germline.
Comment: This sequence change falls in intron 9 of the GALNS gene. It does not directly change the encoded amino acid sequence of the GALNS protein. This variant is not present in population databases (gnomAD no frequency). This variant has been observed in individual(s) with GALNS-related conditions (internal data). ClinVar contains an entry for this variant (Variation ID: 1302909). Algorithms developed to predict the effect of sequence changes on RNA splicing suggest that this variant may disrupt the consensus splice site. In summary, the available evidence is currently insufficient to determine the role of this variant in disease. Therefore, it has been classified as a Variant of Uncertain Significance.

GeneDx
Classification: Uncertain significance. Last evaluated: 2019-10-28. Review status: criteria provided, single submitter. Criteria: GeneDx Variant Classification Process June 2021. Collection method: clinical testing. Allele origin: germline. Affected: yes.
Comment: Not observed in large population cohorts (Lek et al., 2016); In-silico analysis, which includes splice predictors and evolutionary conservation, is inconclusive as to whether the variant alters gene splicing. In the absence of RNA/functional studies, the actual effect of this sequence change is unknown.

NM_000512.5(GALNS):c.1003-10T>G

Gene: GALNS (galactosamine (N-acetyl)-6-sulfatase; minus strand). Cytogenetic location: 16q24.3.
Variant type: single nucleotide variant.
Coding change: c.1003-10T>G on transcript NM_000512.5 (MANE Select); 10 bases into the intron before coding-DNA position 1003, T replaced by G.
Molecular consequence: intron variant.
Genome position (GRCh38, 1-based): chr16:88,826,848, A>C on the plus strand (T>G on the coding strand, the complement: GALNS is on the minus strand). VCF-style: chr16-88826848-A-C. GRCh37 (hg19) VCF-style: chr16-88893256-A-C.
Other names: c.448-10T>G (NM_001323543.2); c.1021-10T>G (NM_001323544.2).
Identifiers: ClinVar variation 1302909 (VCV001302909.4), dbSNP rs753249472, ClinGen allele CA725635455.